The following is an entry in ClinVar:

NM_001868.4(CPA1):c.64G>A (p.Gly22Arg)

Gene: CPA1 (carboxypeptidase A1; plus strand). Cytogenetic location: 7q32.2.
Variant type: single nucleotide variant.
Coding change: c.64G>A on transcript NM_001868.4 (MANE Select); coding-DNA position 64, G replaced by A.
Protein change: p.Gly22Arg; replaces glycine 22 with arginine.
Molecular consequence: missense variant.
Genome position (GRCh38, 1-based): chr7:130,380,584, G>A. VCF-style: chr7-130380584-G-A. GRCh37 (hg19) VCF-style: chr7-130020425-G-A.
Other names: short protein forms G22R.
Identifiers: ClinVar variation 1753897 (VCV001753897.2), dbSNP rs1450647687, ClinGen allele CA369279141.

ClinVar aggregate classification (germline): Uncertain significance (1 of 4 stars; one submission).

Conditions:
Hereditary pancreatitis (PCTT). Also called: Hereditary chronic pancreatitis; PRSS1-Related Hereditary Pancreatitis. Identifiers: Orphanet 676, MedGen C0238339, MONDO:0008185, OMIM 167800.

Allele frequency attached by ClinVar (database versions not stated): gnomAD exomes below 0.00001; TOPMed below 0.00001.
gnomAD v4.1: 2 of 1,313,276 alleles (0.00015%); highest among the groups gnomAD compares: Non-Finnish European, 0.0002%; no homozygotes.

Submission:

Ambry Genetics
Classification: Uncertain significance for Hereditary pancreatitis. Last evaluated: 2022-05-02. Review status: criteria provided, single submitter. Criteria: Ambry Variant Classification Scheme 2023. Collection method: clinical testing. Allele origin: germline.
Comment: The p.G22R variant (also known as c.64G>A), located in coding exon 1 of the CPA1 gene, results from a G to A substitution at nucleotide position 64. The glycine at codon 22 is replaced by arginine, an amino acid with dissimilar properties. This amino acid position is conserved. In addition, the in silico prediction for this alteration is inconclusive. Since supporting evidence is limited at this time, the clinical significance of this alteration remains unclear.